The following is an entry in ClinVar:

NM_001349338.3(FOXP1):c.1239C>G (p.Pro413=)

Gene: FOXP1 (forkhead box P1; minus strand). Cytogenetic location: 3p13.
Variant type: single nucleotide variant.
Coding change: c.1239C>G on transcript NM_001349338.3 (MANE Select); coding-DNA position 1239, C replaced by G.
Protein change: p.Pro413=; no amino-acid change (proline 413 retained).
Molecular consequence: synonymous variant. On other transcripts: non-coding transcript variant (2).
Genome position (GRCh38, 1-based): chr3:70,977,937, G>C on the plus strand (C>G on the coding strand, the complement: FOXP1 is on the minus strand). VCF-style: chr3-70977937-G-C. GRCh37 (hg19) VCF-style: chr3-71027088-G-C.
Other names: c.1239C>G, p.Pro413= (NM_001244808.3, NM_001244810.2, NM_001244814.3 and 4 more transcripts); c.1011C>G, p.Pro337= (NM_001244812.3); c.939C>G, p.Pro313= (NM_001244813.3, NM_001244815.2, NM_001349342.3 and 1 more transcripts); c.936C>G, p.Pro312= (NM_001349337.2, NM_001349343.3, NM_001349344.3); c.1236C>G, p.Pro412= (NM_001349341.3); c.1239C>G (NM_032682.5).
Identifiers: ClinVar variation 1927795 (VCV001927795.7), dbSNP rs761941921, ClinGen allele CA2491048.

ClinVar aggregate classification (germline): Likely benign. Review status: criteria provided, single submitter (1 of 4 stars). 2 submissions from 2 submitters: Likely benign (1). 1 of the submissions does not count toward it. Last evaluated 2025-04-15.

Conditions:
FOXP1-related disorder. Also called: FOXP1-related condition.

gnomAD v4.1: 3 of 1,614,192 alleles (0.00019%); highest among the groups gnomAD compares: East Asian, 0.0022%; no homozygotes.

Submissions (2):

Labcorp Genetics (formerly Invitae), Labcorp
Classification: Likely benign. Last evaluated: 2025-04-15. Review status: criteria provided, single submitter. Criteria: Invitae Variant Classification Sherloc (09022015). Collection method: clinical testing. Allele origin: germline.

PreventionGenetics, part of Exact Sciences
Classification: Likely benign for FOXP1-related condition. Last evaluated: 2021-12-17. Review status: no assertion criteria provided. Collection method: clinical testing. Allele origin: germline. Not counted in ClinVar's aggregate classification.
Comment: This variant is classified as likely benign based on ACMG/AMP sequence variant interpretation guidelines (Richards et al. 2015 PMID: 25741868, with internal and published modifications).